The following is an entry in ClinVar:

NM_000256.3(MYBPC3):c.3124_3125insAA (p.Thr1042fs)

Gene: MYBPC3 (myosin binding protein C3; minus strand). Cytogenetic location: 11p11.2.
Variant type: Insertion.
Coding change: c.3124_3125insAA on transcript NM_000256.3 (MANE Select); coding-DNA positions 3124 to 3125, AA inserted.
Protein change: p.Thr1042fs; shifts the reading frame from threonine 1042.
Molecular consequence: frameshift variant.
Genome position: GRCh38 VCF-style: chr11-47333622-G-GTT. GRCh37 (hg19) VCF-style: chr11-47355173-G-GTT.
Other names: c.3124_3125insAA, p.Thr1042fs (LRG_386t1); short protein forms T1042fs.
Identifiers: ClinVar variation 418356 (VCV000418356.57), dbSNP rs1064793202, ClinGen allele CA16619335.

ClinVar aggregate classification (germline): Pathogenic. Review status: criteria provided, multiple submitters, no conflicts (2 of 4 stars). 6 submissions from 6 submitters: Pathogenic (6). Last evaluated 2026-05-28.

Conditions:
Cardiovascular phenotype. Identifiers: MedGen CN230736.
Hypertrophic cardiomyopathy 4. Also called: Familial hypertrophic cardiomyopathy 4. Identifiers: MedGen C1861862, MONDO:0007268, OMIM 115197.
Hypertrophic cardiomyopathy. Also called: HYPERTROPHIC MYOCARDIOPATHY. Identifiers: Orphanet 217569, MedGen C0007194, MeSH D002312, MONDO:0005045, HP:0001639.

Submissions (6):

Institute of Human Genetics, University of Leipzig Medical Center
Classification: Pathogenic for Hypertrophic cardiomyopathy 4. Last evaluated: 2026-05-28. Review status: criteria provided, single submitter. Criteria: ACMG Guidelines, 2015. Collection method: clinical testing. Allele origin: unknown. Inheritance: Autosomal dominant inheritance. Affected: yes.
Comment: Criteria applied: PVS1,PS4_MOD,PM2_SUP

Labcorp Genetics (formerly Invitae), Labcorp
Classification: Pathogenic for Hypertrophic cardiomyopathy. Last evaluated: 2025-10-19. Review status: criteria provided, single submitter. Criteria: Invitae Variant Classification Sherloc (09022015). Collection method: clinical testing. Allele origin: germline.
Comment: This sequence change creates a premature translational stop signal (p.Thr1042Lysfs*5) in the MYBPC3 gene. It is expected to result in an absent or disrupted protein product. Loss-of-function variants in MYBPC3 are known to be pathogenic (PMID: 19574547). This variant is not present in population databases (gnomAD no frequency). This premature translational stop signal has been observed in individual(s) with hypertrophic cardiomyopathy (HCM) (PMID: 9562578, 26914223). It has also been observed to segregate with disease in related individuals. ClinVar contains an entry for this variant (Variation ID: 418356). Algorithms developed to predict the effect of sequence changes on RNA splicing suggest that this variant may disrupt the consensus splice site. For these reasons, this variant has been classified as Pathogenic.

CeGaT Center for Human Genetics Tuebingen
Classification: Pathogenic. Last evaluated: 2019-07-01. Review status: criteria provided, single submitter. Criteria: CeGaT Center For Human Genetics Tuebingen Variant Classification Criteria Version 2. Collection method: clinical testing. Allele origin: germline. Affected: yes. Observed: 2 variant alleles.

GeneDx
Classification: Pathogenic. Last evaluated: 2019-05-03. Review status: criteria provided, single submitter. Criteria: GeneDx Variant Classification Process June 2021. Collection method: clinical testing. Allele origin: germline. Affected: yes.
Comment: Frameshift variant predicted to result in protein truncation or nonsense mediated decay in a gene for which loss-of-function is a known mechanism of disease; Not observed in large population cohorts (Lek et al., 2016); Reported in ClinVar as a pathogenic variant (ClinVar Variant ID 418356; Landrum et al., 2016); This variant is associated with the following publications: (PMID: 15519027, 9562578, 26914223)

Ambry Genetics
Classification: Pathogenic for Cardiovascular phenotype. Last evaluated: 2018-07-02. Review status: criteria provided, single submitter. Criteria: Ambry Variant Classification Scheme 2023. Collection method: clinical testing. Allele origin: germline.
Comment: The c.3124_3125insAA pathogenic mutation, located in coding exon 29 of the MYBPC3 gene, results from an insertion of two nucleotides at position 3124, causing a translational frameshift with a predicted alternate stop codon (p.T1042Kfs*5). This mutation has been reported in multiple individuals with hypertrophic cardiomyopathy (Niimura H et al. N. Engl. J. Med., 1998 Apr;338:1248-57; Van Driest SL et al. J. Am. Coll. Cardiol., 2004 Nov;44:1903-10; Murphy SL et al. J Cardiovasc Transl Res, 2016 Apr;9:153-61). In addition to the clinical data presented in the literature, this alteration is expected to result in loss of function by premature protein truncation or nonsense-mediated mRNA decay. As such, this alteration is interpreted as a disease-causing mutation.

Laboratory for Molecular Medicine, Mass General Brigham Personalized Medicine
Classification: Pathogenic for Hypertrophic cardiomyopathy. Last evaluated: 2016-05-18. Review status: criteria provided, single submitter. Criteria: LMM Criteria. Collection method: clinical testing. Allele origin: germline. Observed: 3 variant alleles.
Comment: The p.Thr1042fs variant in MYBPC3 has been reported in 1 individual with HCM and segregated with disease in 5 affected relatives (Niimura 1998). It was absent f rom large population studies, though the ability of these studies to accurately detect indels may be limited. This variant is predicted to cause a frameshift, w hich alters the protein?s amino acid sequence beginning at position 1042 and lea ds to a premature termination codon 5 amino acids downstream. This alteration is then predicted to lead to a truncated or absent protein. Heterozygous loss-of-f unction variants are strongly associated with HCM. In summary, this variant meet s criteria to be classified as pathogenic for HCM in an autosomal dominant manne r based upon segregation studies and predicted impact of the variant.

Literature cited by the submitters: PubMed 19574547 (cited by Labcorp Genetics (formerly Invitae), Labcorp); PubMed 9562578 (cited by 3 submitters); PubMed 26914223 (cited by Labcorp Genetics (formerly Invitae), Labcorp and Ambry Genetics); PubMed 15519027 (cited by Ambry Genetics).